The following is an entry in ClinVar:

ClinVar aggregate classification (germline): Conflicting classifications of pathogenicity. Review status: criteria provided, conflicting classifications (1 of 4 stars). 3 submissions from 3 submitters: Uncertain significance (2); Likely benign (1). Last evaluated 2024-01-07.

Conditions:
Ullrich congenital muscular dystrophy 2 (UCMD2). Identifiers: Orphanet 75840, MedGen C4225314, MONDO:0014654, OMIM 616470.
Bethlem myopathy 2 (BTHLM2). Identifiers: Orphanet 536516, Orphanet 610, MedGen C4225313, MONDO:0034022, OMIM 616471.

Allele frequency attached by ClinVar (database versions not stated): gnomAD exomes 0.00002; TOPMed 0.00002; ExAC 0.00003; gnomAD 0.00004.

Submissions (3):

Labcorp Genetics (formerly Invitae), Labcorp
Classification: Likely benign for Bethlem myopathy 2; Ullrich congenital muscular dystrophy 2. Last evaluated: 2024-01-07. Review status: criteria provided, single submitter. Criteria: Invitae Variant Classification Sherloc (09022015). Collection method: clinical testing. Allele origin: germline.

Revvity Omics, Revvity
Classification: Uncertain significance. Last evaluated: 2021-11-17. Review status: criteria provided, single submitter. Criteria: ACMG Guidelines, 2015. Collection method: clinical testing. Allele origin: germline.

GeneDx
Classification: Uncertain significance. Last evaluated: 2020-01-07. Review status: criteria provided, single submitter. Criteria: GeneDx Variant Classification Process June 2021. Collection method: clinical testing. Allele origin: germline. Affected: yes.
Comment: Has not been previously published as pathogenic or benign to our knowledge; In silico analysis, which includes protein predictors and evolutionary conservation, supports that this variant does not alter protein structure/function

NM_004370.6(COL12A1):c.2885T>C (p.Ile962Thr)

Gene: COL12A1 (collagen type XII alpha 1 chain; minus strand). Cytogenetic location: 6q13.
Variant type: single nucleotide variant.
Coding change: c.2885T>C on transcript NM_004370.6 (MANE Select); coding-DNA position 2885, T replaced by C.
Protein change: p.Ile962Thr; replaces isoleucine 962 with threonine.
Molecular consequence: missense variant. On other transcripts: intron variant (1).
Genome position (GRCh38, 1-based): chr6:75,165,605, A>G on the plus strand (T>C on the coding strand, the complement: COL12A1 is on the minus strand). VCF-style: chr6-75165605-A-G. GRCh37 (hg19) VCF-style: chr6-75875321-A-G.
Other names: c.74-13123T>C (NM_080645.3); short protein forms I962T.
Identifiers: ClinVar variation 1318542 (VCV001318542.8), dbSNP rs746982506, ClinGen allele CA3893856.